The following is an entry in ClinVar:

NM_000552.5(VWF):c.3536C>T (p.Pro1179Leu)

Gene: VWF (von Willebrand factor; minus strand). Cytogenetic location: 12p13.31.
Variant type: single nucleotide variant.
Coding change: c.3536C>T on transcript NM_000552.5 (MANE Select); coding-DNA position 3536, C replaced by T.
Protein change: p.Pro1179Leu; replaces proline 1179 with leucine.
Molecular consequence: missense variant.
Genome position (GRCh38, 1-based): chr12:6,022,742, G>A on the plus strand (C>T on the coding strand, the complement: VWF is on the minus strand). VCF-style: chr12-6022742-G-A. GRCh37 (hg19) VCF-style: chr12-6131908-G-A.
Other names: short protein forms P1179L.
Identifiers: ClinVar variation 4536732 (VCV004536732.1).
Genomic context (GRCh38, chr12:6,022,742, plus strand): 5'-CTTTCCATCCATCCCTATCCCATCCCACCAGCCTGACCCCCAGGGATAGAGGCCTCACCT[G>A]GAGGGCAGTGGGCATGGCAGCCCTCCACACACTGCACAGGGCAGGCCAGTGGCTCAGGGT-3'
Protein context (NP_000543.3, residues 1169-1189): CVEGCHAHCP[Pro1179Leu]GKILDELLQT

ClinVar aggregate classification (germline): Uncertain significance (1 of 4 stars; one submission).

Submission:

Women's Health and Genetics/Laboratory Corporation of America, LabCorp
Classification: Uncertain significance. Last evaluated: 2025-11-13. Review status: criteria provided, single submitter. Criteria: LabCorp Variant Classification Summary - May 2015. Collection method: clinical testing. Allele origin: germline.
Comment: Variant summary: VWF c.3536C>T (p.Pro1179Leu) results in a non-conservative amino acid change in the encoded protein sequence. Algorithms developed to predict the effect of missense changes on protein structure and function all suggest that this variant is likely to be disruptive. Consensus agreement among computation tools predict no significant impact on normal splicing. However, these predictions have yet to be confirmed by functional studies. The variant was absent in 53836 control chromosomes. The available data on variant occurrences in the general population are insufficient to allow any conclusion about variant significance. To our knowledge, no occurrence of c.3536C>T in individuals affected with VWF-related conditions and no experimental evidence demonstrating its impact on protein function have been reported. No submitters have cited clinical-significance assessments for this variant to ClinVar. Based on the evidence outlined above, the variant was classified as uncertain significance.